The following is an entry in ClinVar:

NM_001044.5(SLC6A3):c.1663G>A (p.Asp555Asn)

Gene: SLC6A3 (solute carrier family 6 member 3). Cytogenetic location: 5p15.33.
Variant type: single nucleotide variant.
Coding change: c.1663G>A on transcript NM_001044.5 (MANE Select); coding-DNA position 1663, G replaced by A.
Protein change: p.Asp555Asn; replaces aspartic acid 555 with asparagine.
Molecular consequence: missense variant.
Genome position (GRCh38, 1-based): chr5:1,403,026, C>T on the plus strand (G>A on the coding strand, the complement: SLC6A3 is on the minus strand). VCF-style: chr5-1403026-C-T. GRCh37 (hg19) VCF-style: chr5-1403141-C-T.
Other names: short protein forms D555N.
Identifiers: ClinVar variation 940371 (VCV000940371.7), dbSNP rs750854317, ClinGen allele CA3185952.

ClinVar aggregate classification (germline): Uncertain significance (1 of 4 stars; one submission).

Conditions:
Parkinsonism-dystonia, infantile. Identifiers: Orphanet 238455, MedGen C2751067, MONDO:0013150.

Allele frequency attached by ClinVar (database versions not stated): ExAC 0.00002; gnomAD 0.00002; gnomAD exomes 0.00002 and 0.00004; TOPMed 0.00002.
gnomAD v4.1: 33 of 1,613,884 alleles (0.002%); highest among the groups gnomAD compares: South Asian, 0.0066%; no homozygotes.

Submission:

Labcorp Genetics (formerly Invitae), Labcorp
Classification: Uncertain significance for Parkinsonism-dystonia, infantile. Last evaluated: 2023-07-07. Review status: criteria provided, single submitter. Criteria: Invitae Variant Classification Sherloc (09022015). Collection method: clinical testing. Allele origin: germline.
Comment: This sequence change replaces aspartic acid, which is acidic and polar, with asparagine, which is neutral and polar, at codon 555 of the SLC6A3 protein (p.Asp555Asn). This variant is present in population databases (rs750854317, gnomAD 0.02%). This variant has not been reported in the literature in individuals affected with SLC6A3-related conditions. ClinVar contains an entry for this variant (Variation ID: 940371). Advanced modeling of protein sequence and biophysical properties (such as structural, functional, and spatial information, amino acid conservation, physicochemical variation, residue mobility, and thermodynamic stability) performed at Invitae indicates that this missense variant is not expected to disrupt SLC6A3 protein function. In summary, the available evidence is currently insufficient to determine the role of this variant in disease. Therefore, it has been classified as a Variant of Uncertain Significance.